The following is an entry in ClinVar:

NM_000071.3(CBS):c.120G>T (p.Glu40Asp)

Gene: CBS (cystathionine beta-synthase; minus strand). Cytogenetic location: 21q22.3.
Variant type: single nucleotide variant.
Coding change: c.120G>T on transcript NM_000071.3 (MANE Select); coding-DNA position 120, G replaced by T.
Protein change: p.Glu40Asp; replaces glutamic acid 40 with aspartic acid.
Molecular consequence: missense variant.
Genome position (GRCh38, 1-based): chr21:43,072,074, C>A on the plus strand (G>T on the coding strand, the complement: CBS is on the minus strand). VCF-style: chr21-43072074-C-A. GRCh37 (hg19) VCF-style: chr21-44492184-C-A.
Other names: c.120G>T, p.Glu40Asp (NM_001178008.3, NM_001178009.3, NM_001320298.2); short protein forms E40D.
Identifiers: ClinVar variation 4220033 (VCV004220033.2).

ClinVar aggregate classification (germline): Uncertain significance. Review status: criteria provided, multiple submitters, no conflicts (2 of 4 stars). 2 submissions from 2 submitters: Uncertain significance (2). Last evaluated 2026-03-09.

Conditions:
CBS-related disorder. Also called: CBS-related condition.
Familial thoracic aortic aneurysm and aortic dissection (TAAD). Also called: Thoracic aortic aneurysms and dissections. Identifiers: Orphanet 91387, MedGen C4707243, MONDO:0019625.

Submissions (2):

PreventionGenetics, part of Exact Sciences
Classification: Uncertain significance for CBS-related condition. Last evaluated: 2026-03-09. Review status: criteria provided, single submitter. Criteria: ACMG Guidelines, 2015. Collection method: clinical testing. Allele origin: germline.
Comment: The CBS c.120G>T variant is predicted to result in the amino acid substitution p.Glu40Asp. To our knowledge, this variant has not been reported in the literature. This variant is reported in 0.00088% of alleles in individuals of European (Non-Finnish) descent in gnomAD. At this time, the clinical significance of this variant is uncertain due to the absence of conclusive functional and genetic evidence.

Ambry Genetics
Classification: Uncertain significance for Familial thoracic aortic aneurysm and aortic dissection. Last evaluated: 2025-07-21. Review status: criteria provided, single submitter. Criteria: Ambry Variant Classification Scheme 2023. Collection method: clinical testing. Allele origin: germline.
Comment: The p.E40D variant (also known as c.120G>T), located in coding exon 1 of the CBS gene, results from a G to T substitution at nucleotide position 120. The glutamic acid at codon 40 is replaced by aspartic acid, an amino acid with highly similar properties. This amino acid position is well conserved in available vertebrate species. In addition, the in silico prediction for this alteration is inconclusive. Based on the available evidence, the clinical significance of this variant remains unclear.